The following is an entry in ClinVar:

ClinVar aggregate classification (germline): Benign. Review status: criteria provided, multiple submitters, no conflicts (2 of 4 stars). 2 submissions from 2 submitters: Benign (2). Last evaluated 2018-06-19.

Allele frequency attached by ClinVar (database versions not stated): 1000 Genomes Project 30x 0.29700; 1000 Genomes Project 0.29772; TOPMed 0.34946; gnomAD 0.36255 and 0.36384; gnomAD exomes 0.40054.
gnomAD v4.1: 328,931 of 834,954 alleles (39%); highest among the groups gnomAD compares: Middle Eastern, 51%; 68,628 homozygotes.

Submissions (2):

GeneDx
Classification: Benign. Last evaluated: 2018-06-19. Review status: criteria provided, single submitter. Criteria: GeneDx Variant Classification (06012015). Collection method: clinical testing. Allele origin: germline. Affected: yes.
Comment: This variant is considered likely benign or benign based on one or more of the following criteria: it is a conservative change, it occurs at a poorly conserved position in the protein, it is predicted to be benign by multiple in silico algorithms, and/or has population frequency not consistent with disease.

Breakthrough Genomics
Classification: Benign. Review status: criteria provided, single submitter. Criteria: ACMG Guidelines, 2015. Collection method: not provided. Allele origin: germline. Inheritance: Autosomal recessive inheritance. Affected: yes.

NM_006371.5(CRTAP):c.1152+97A>G

Genes: CRTAP (cartilage associated protein; plus strand), LOC129936439 (ATAC-STARR-seq lymphoblastoid active region 19647; plus strand). Cytogenetic location: 3p22.3.
Variant type: single nucleotide variant.
Coding change: c.1152+97A>G on transcript NM_006371.5 (MANE Select); 97 bases into the intron after coding-DNA position 1152, A replaced by G.
Molecular consequence: intron variant.
Genome position (GRCh38, 1-based): chr3:33,134,362, A>G. VCF-style: chr3-33134362-A-G. GRCh37 (hg19) VCF-style: chr3-33175854-A-G.
Other names: c.1068+1662A>G (NM_001393363.1); c.1023+97A>G (NM_001393364.1); c.1002+97A>G (NM_001393365.1).
Identifiers: ClinVar variation 675028 (VCV000675028.2), dbSNP rs58617854, ClinGen allele CA11402332.